The following is an entry in ClinVar:

ClinVar aggregate classification (germline): Uncertain significance (1 of 4 stars; one submission).

Submission:

Labcorp Genetics (formerly Invitae), Labcorp
Classification: Uncertain significance. Last evaluated: 2021-10-05. Review status: criteria provided, single submitter. Criteria: Invitae Variant Classification Sherloc (09022015). Collection method: clinical testing. Allele origin: germline.
Comment: This sequence change replaces threonine with lysine at codon 5166 of the ADGRV1 protein (p.Thr5166Lys). The threonine residue is weakly conserved and there is a moderate physicochemical difference between threonine and lysine. This variant is not present in population databases (ExAC no frequency). This variant has not been reported in the literature in individuals affected with ADGRV1-related conditions. Algorithms developed to predict the effect of missense changes on protein structure and function (SIFT, PolyPhen-2, Align-GVGD) all suggest that this variant is likely to be tolerated. In summary, the available evidence is currently insufficient to determine the role of this variant in disease. Therefore, it has been classified as a Variant of Uncertain Significance.

NM_032119.4(ADGRV1):c.15497C>A (p.Thr5166Lys)

Gene: ADGRV1 (adhesion G protein-coupled receptor V1; plus strand). Cytogenetic location: 5q14.3.
Variant type: single nucleotide variant.
Coding change: c.15497C>A on transcript NM_032119.4 (MANE Select); coding-DNA position 15497, C replaced by A.
Protein change: p.Thr5166Lys; replaces threonine 5166 with lysine.
Molecular consequence: missense variant. On other transcripts: non-coding transcript variant (1).
Genome position (GRCh38, 1-based): chr5:90,810,757, C>A. VCF-style: chr5-90810757-C-A. GRCh37 (hg19) VCF-style: chr5-90106574-C-A.
Other names: short protein forms T5166K.
Identifiers: ClinVar variation 1494584 (VCV001494584.6), dbSNP rs375860783, ClinGen allele CA360409794.